The following is an entry in ClinVar:

NM_000533.5(PLP1):c.388C>A (p.His130Asn)

Genes: PLP1 (proteolipid protein 1; plus strand), RAB9B (RAB9B, member RAS oncogene family; minus strand). Cytogenetic location: Xq22.2.
Variant type: single nucleotide variant.
Coding change: c.388C>A on transcript NM_000533.5 (MANE Select); coding-DNA position 388, C replaced by A.
Protein change: p.His130Asn; replaces histidine 130 with asparagine.
Molecular consequence: missense variant. On other transcripts: intron variant (1).
Genome position (GRCh38, 1-based): chrX:103,786,661, C>A. VCF-style: chrX-103786661-C-A. GRCh37 (hg19) VCF-style: chrX-103041590-C-A.
Other names: c.388C>A, p.His130Asn (NM_001128834.3); c.223C>A, p.His75Asn (NM_001305004.1); c.348+40C>A (NM_199478.3); short protein forms H130N, H75N.
Identifiers: ClinVar variation 2099249 (VCV002099249.4), dbSNP rs878853076, ClinGen allele CA414102829.

ClinVar aggregate classification (germline): Uncertain significance (1 of 4 stars; one submission).

Conditions:
Hereditary spastic paraplegia 2 (SPG2). Also called: SPASTIC PARAPLEGIA 2, X-LINKED; Spastic Paraplegia 2 (SPG2). Identifiers: Orphanet 99015, MedGen C0751604, MONDO:0010733, OMIM 312920.

Submission:

Labcorp Genetics (formerly Invitae), Labcorp
Classification: Uncertain significance for Hereditary spastic paraplegia 2. Last evaluated: 2022-08-20. Review status: criteria provided, single submitter. Criteria: Invitae Variant Classification Sherloc (09022015). Collection method: clinical testing. Allele origin: germline.
Comment: This variant is not present in population databases (gnomAD no frequency). This sequence change replaces histidine, which is basic and polar, with asparagine, which is neutral and polar, at codon 130 of the PLP1 protein (p.His130Asn). This missense change has been observed in individual(s) with developmental disorders and/or hereditary spastic paraplegia (PMID: 33504798; Invitae). In summary, the available evidence is currently insufficient to determine the role of this variant in disease. Therefore, it has been classified as a Variant of Uncertain Significance. This variant disrupts the p.His130 amino acid residue in PLP1. Other variant(s) that disrupt this residue have been observed in individuals with PLP1-related conditions (PMID: 11093273, 34782662), which suggests that this may be a clinically significant amino acid residue. Algorithms developed to predict the effect of missense changes on protein structure and function are either unavailable or do not agree on the potential impact of this missense change (SIFT: "Not Available"; PolyPhen-2: "Benign"; Align-GVGD: "Not Available").

Literature cited by the submitters: PubMed 33504798; PubMed 11093273; PubMed 34782662.